The following is an entry in ClinVar:

NM_005529.7(HSPG2):c.7418G>A (p.Arg2473His)

Gene: HSPG2 (heparan sulfate proteoglycan 2; minus strand). Cytogenetic location: 1p36.12.
Variant type: single nucleotide variant.
Coding change: c.7418G>A on transcript NM_005529.7 (MANE Select); coding-DNA position 7418, G replaced by A.
Protein change: p.Arg2473His; replaces arginine 2473 with histidine.
Molecular consequence: missense variant.
Genome position (GRCh38, 1-based): chr1:21,850,069, C>T on the plus strand (G>A on the coding strand, the complement: HSPG2 is on the minus strand). VCF-style: chr1-21850069-C-T. GRCh37 (hg19) VCF-style: chr1-22176562-C-T.
Other names: c.7421G>A, p.Arg2474His (NM_001291860.2); c.7418G>A (NM_005529.6); short protein forms R2473H, R2474H.
Identifiers: ClinVar variation 1302911 (VCV001302911.4), dbSNP rs749970512, ClinGen allele CA671196.
Genomic context (GRCh38, chr1:21,850,069, plus strand): 5'-TCCTTCAGGCTTCCTGAGCTCCTGCCTCCTACCTGGTGCCGGGCCGGGAGGCTGCCCCCG[C>T]GCTTGTGCCACGTGACCTGGGCATGGGCCTGACCAGCAACGAGGCAGTTCAGGTCCAGGG-3'
Protein context (NP_005520.4, residues 2463-2483): QAHAQVTWHK[Arg2473His]GGSLPARHQV

ClinVar aggregate classification (germline): Uncertain significance. Review status: criteria provided, multiple submitters, no conflicts (2 of 4 stars). 3 submissions from 3 submitters: Uncertain significance (2). 1 of the submissions does not count toward it. Last evaluated 2022-02-24.

Conditions:
HSPG2-related disorder. Also called: HSPG2-related condition; HSPG2-related disorders.

Allele frequency attached by ClinVar (database versions not stated): gnomAD exomes 0.00004 and 0.00005; ExAC 0.00005; gnomAD 0.00005; TOPMed 0.00006.
gnomAD v4.1: 68 of 1,613,336 alleles (0.0042%); highest among the groups gnomAD compares: East Asian, 0.085%; no homozygotes.

Submissions (3):

Labcorp Genetics (formerly Invitae), Labcorp
Classification: Uncertain significance. Last evaluated: 2022-02-24. Review status: criteria provided, single submitter. Criteria: Invitae Variant Classification Sherloc (09022015). Collection method: clinical testing. Allele origin: germline.
Comment: This sequence change replaces arginine, which is basic and polar, with histidine, which is basic and polar, at codon 2473 of the HSPG2 protein (p.Arg2473His). This variant is present in population databases (rs749970512, gnomAD 0.04%). This missense change has been observed in individual(s) with clinical features of HSPG2-related conditions (PMID: 26077850). ClinVar contains an entry for this variant (Variation ID: 1302911). Algorithms developed to predict the effect of missense changes on protein structure and function are either unavailable or do not agree on the potential impact of this missense change (SIFT: "Tolerated"; PolyPhen-2: "Probably Damaging"; Align-GVGD: "Class C0"). In summary, the available evidence is currently insufficient to determine the role of this variant in disease. Therefore, it has been classified as a Variant of Uncertain Significance.

GeneDx
Classification: Uncertain significance. Last evaluated: 2019-06-25. Review status: criteria provided, single submitter. Criteria: GeneDx Variant Classification Process June 2021. Collection method: clinical testing. Allele origin: germline. Affected: yes.
Comment: In silico analysis, which includes protein predictors and evolutionary conservation, supports that this variant does not alter protein structure/function; This variant is associated with the following publications: (PMID: 26077850)

PreventionGenetics, part of Exact Sciences
Classification: Uncertain significance for HSPG2-related condition. Last evaluated: 2024-08-21. Review status: no assertion criteria provided. Collection method: clinical testing. Allele origin: germline. Not counted in ClinVar's aggregate classification.
Comment: The HSPG2 c.7418G>A variant is predicted to result in the amino acid substitution p.Arg2473His. This variant was reported in the homozygous state in an individual with camptodactyly, absent carpal bones, and hemangioma, a phenotype not typical for HSPG2-related disease (Yavarna et al 2015. PubMed ID: 26077850). This variant is reported in 0.045% of alleles in individuals of East Asian descent in gnomAD, which is more common than expected for a disease-causing variant. At this time, the clinical significance of this variant is uncertain due to the absence of conclusive functional and genetic evidence.

Literature cited by the submitters: PubMed 26077850 (cited by Labcorp Genetics (formerly Invitae), Labcorp).